The following is an entry in ClinVar:

ClinVar aggregate classification (germline): Conflicting classifications of pathogenicity. Review status: criteria provided, conflicting classifications (1 of 4 stars). 2 submissions from 2 submitters: Pathogenic (1); Uncertain significance (1). Last evaluated 2024-12-26.

Submissions (2):

GeneDx
Classification: Pathogenic. Last evaluated: 2024-12-26. Review status: criteria provided, single submitter. Criteria: GeneDx Variant Classification Process June 2021. Collection method: clinical testing. Allele origin: germline. Affected: yes.
Comment: In silico analysis supports that this missense variant has a deleterious effect on protein structure/function; Not observed at significant frequency in large population cohorts (gnomAD); This variant is associated with the following publications: (PMID: 31706665)

Labcorp Genetics (formerly Invitae), Labcorp
Classification: Uncertain significance. Last evaluated: 2022-12-05. Review status: criteria provided, single submitter. Criteria: Invitae Variant Classification Sherloc (09022015). Collection method: clinical testing. Allele origin: germline.
Comment: In summary, the available evidence is currently insufficient to determine the role of this variant in disease. Therefore, it has been classified as a Variant of Uncertain Significance. Algorithms developed to predict the effect of missense changes on protein structure and function are either unavailable or do not agree on the potential impact of this missense change (SIFT: "Tolerated"; PolyPhen-2: "Probably Damaging"; Align-GVGD: "Class C0"). This missense change has been observed in individual(s) with clinical features of Coffin-Siris syndrome (PMID: 31706665). In at least one individual the variant was observed to be de novo. This variant is not present in population databases (gnomAD no frequency). This sequence change replaces proline, which is neutral and non-polar, with arginine, which is basic and polar, at codon 365 of the DPF2 protein (p.Pro365Arg).

Literature cited by the submitters: PubMed 31706665 (cited by Labcorp Genetics (formerly Invitae), Labcorp).

NM_006268.5(DPF2):c.1094C>G (p.Pro365Arg)

Gene: DPF2 (double PHD fingers 2; plus strand). Cytogenetic location: 11q13.1.
Variant type: single nucleotide variant.
Coding change: c.1094C>G on transcript NM_006268.5 (MANE Select); coding-DNA position 1094, C replaced by G.
Protein change: p.Pro365Arg; replaces proline 365 with arginine.
Molecular consequence: missense variant.
Genome position (GRCh38, 1-based): chr11:65,348,926, C>G. VCF-style: chr11-65348926-C-G. GRCh37 (hg19) VCF-style: chr11-65116397-C-G.
Other names: c.1094C>G (NM_006268.4); c.1136C>G, p.Pro379Arg (NM_001330308.2); short protein forms P365R, P379R.
Identifiers: ClinVar variation 2972683 (VCV002972683.4), dbSNP rs2495413781, ClinGen allele CA381232605.